The following is an entry in ClinVar:

ClinVar aggregate classification (germline): Uncertain significance (1 of 4 stars; one submission).

Submission:

GeneDx
Classification: Uncertain significance. Last evaluated: 2023-11-20. Review status: criteria provided, single submitter. Criteria: GeneDx Variant Classification Process June 2021. Collection method: clinical testing. Allele origin: germline. Affected: yes.
Comment: Not observed at significant frequency in large population cohorts (gnomAD); In silico analysis supports that this missense variant does not alter protein structure/function; Has not been previously published as pathogenic or benign to our knowledge

NM_001723.7(DST):c.6275T>C (p.Leu2092Pro)

Gene: DST (dystonin; minus strand). Cytogenetic location: 6p12.1.
Variant type: single nucleotide variant.
Coding change: c.6275T>C on transcript NM_001723.7 (MANE Plus Clinical); coding-DNA position 6275, T replaced by C.
Protein change: p.Leu2092Pro; replaces leucine 2092 with proline.
Molecular consequence: missense variant. On other transcripts: intron variant (10).
Genome position (GRCh38, 1-based): chr6:56,617,192, A>G on the plus strand (T>C on the coding strand, the complement: DST is on the minus strand). VCF-style: chr6-56617192-A-G. GRCh37 (hg19) VCF-style: chr6-56481990-A-G.
Other names: c.4831-2708T>C (NM_001144769.5); c.4930-2708T>C (NM_001374722.1, NM_001374736.1); c.4957-2708T>C (NM_001374734.1); c.4417-2708T>C (NM_001144770.2); c.4297-2708T>C (NM_001374730.1, NM_001386100.1, NM_183380.4 and 1 more transcripts); c.3319-2708T>C (NM_015548.5); short protein forms L2092P.
Identifiers: ClinVar variation 3364627 (VCV003364627.1).